The following is an entry in ClinVar:

ClinVar aggregate classification (germline): Pathogenic (1 of 4 stars; one submission).

Conditions:
Mosaic variegated aneuploidy syndrome 1 (MVA1). Also called: Warburton-Anyane-Yeboa syndrome. Identifiers: Orphanet 1052, MedGen C1850343, MONDO:0009759, OMIM 257300.

Submission:

Labcorp Genetics (formerly Invitae), Labcorp
Classification: Pathogenic for Mosaic variegated aneuploidy syndrome 1. Last evaluated: 2021-10-05. Review status: criteria provided, single submitter. Criteria: Invitae Variant Classification Sherloc (09022015). Collection method: clinical testing. Allele origin: germline.
Comment: For these reasons, this variant has been classified as Pathogenic. This variant has not been reported in the literature in individuals affected with BUB1B-related conditions. This variant is not present in population databases (ExAC no frequency). This sequence change creates a premature translational stop signal (p.Tyr778*) in the BUB1B gene. It is expected to result in an absent or disrupted protein product. Loss-of-function variants in BUB1B are known to be pathogenic (PMID: 15475955, 21190457).

Literature cited by the submitters: PubMed 15475955; PubMed 21190457.

NM_001211.6(BUB1B):c.2334C>G (p.Tyr778Ter)

Gene: BUB1B (BUB1 mitotic checkpoint serine/threonine kinase B; plus strand). Cytogenetic location: 15q15.1.
Variant type: single nucleotide variant.
Coding change: c.2334C>G on transcript NM_001211.6 (MANE Select); coding-DNA position 2334, C replaced by G.
Protein change: p.Tyr778Ter; replaces tyrosine 778 with a stop codon.
Molecular consequence: nonsense.
Genome position (GRCh38, 1-based): chr15:40,210,159, C>G. VCF-style: chr15-40210159-C-G. GRCh37 (hg19) VCF-style: chr15-40502360-C-G.
Other names: short protein forms Y778*.
Identifiers: ClinVar variation 1392551 (VCV001392551.6), dbSNP rs2037693105, ClinGen allele CA391694968.